The following is an entry in ClinVar:

NM_000283.4(PDE6B):c.1063T>G (p.Cys355Gly)

Gene: PDE6B (phosphodiesterase 6B; plus strand). Cytogenetic location: 4p16.3.
Variant type: single nucleotide variant.
Coding change: c.1063T>G on transcript NM_000283.4 (MANE Select); coding-DNA position 1063, T replaced by G.
Protein change: p.Cys355Gly; replaces cysteine 355 with glycine.
Molecular consequence: missense variant. On other transcripts: intron variant (1).
Genome position (GRCh38, 1-based): chr4:656,248, T>G. VCF-style: chr4-656248-T-G. GRCh37 (hg19) VCF-style: chr4-650037-T-G.
Other names: c.1063T>G, p.Cys355Gly (NM_001145291.2); c.226T>G, p.Cys76Gly (NM_001145292.2, NM_001350154.3, NM_001379246.1 and 1 more transcripts); c.-48-626T>G (NM_001350155.3); short protein forms C76G, C355G.
Identifiers: ClinVar variation 1357519 (VCV001357519.7), dbSNP rs1413886785, ClinGen allele CA355912845.

ClinVar aggregate classification (germline): Uncertain significance. Review status: criteria provided, multiple submitters, no conflicts (2 of 4 stars). 2 submissions from 2 submitters: Uncertain significance (2). Last evaluated 2022-10-17.

Allele frequency attached by ClinVar (database versions not stated): gnomAD exomes below 0.00001 and 0.00002.
gnomAD v4.1: 16 of 1,595,238 alleles (0.001%); highest among the groups gnomAD compares: Non-Finnish European, 0.0014%; no homozygotes.

Submissions (2):

Blueprint Genetics
Classification: Uncertain significance. Last evaluated: 2022-10-17. Review status: criteria provided, single submitter. Criteria: ACMG Guidelines, 2015. Collection method: clinical testing. Allele origin: germline.

Labcorp Genetics (formerly Invitae), Labcorp
Classification: Uncertain significance. Last evaluated: 2021-08-07. Review status: criteria provided, single submitter. Criteria: Invitae Variant Classification Sherloc (09022015). Collection method: clinical testing. Allele origin: germline.
Comment: This sequence change replaces cysteine with glycine at codon 355 of the PDE6B protein (p.Cys355Gly). The cysteine residue is highly conserved and there is a large physicochemical difference between cysteine and glycine. This variant is not present in population databases (ExAC no frequency). This variant has not been reported in the literature in individuals affected with PDE6B-related conditions. Algorithms developed to predict the effect of missense changes on protein structure and function are either unavailable or do not agree on the potential impact of this missense change (SIFT: "Deleterious"; PolyPhen-2: "Benign"; Align-GVGD: "Class C0"). In summary, the available evidence is currently insufficient to determine the role of this variant in disease. Therefore, it has been classified as a Variant of Uncertain Significance.